The following is an entry in ClinVar:

ClinVar aggregate classification (germline): Benign. Review status: criteria provided, multiple submitters, no conflicts (2 of 4 stars). 5 submissions from 5 submitters: Benign (4). 1 of the submissions does not count toward it. Last evaluated 2026-01-06.

Conditions:
FDX2-related disorder. Also called: FDX2-related condition.

Allele frequency attached by ClinVar (database versions not stated): gnomAD exomes 0.00042 and 0.00113; ExAC 0.00146; ESP Exome Variant Server 0.00469; gnomAD 0.00469 and 0.00512; TOPMed 0.00519; 1000 Genomes Project 0.00579; 1000 Genomes Project 30x 0.00609.
gnomAD v4.1: 1,360 of 1,610,696 alleles (0.084%); highest among the groups gnomAD compares: African/African-American, 1.7%; 11 homozygotes.

Submissions (5):

Labcorp Genetics (formerly Invitae), Labcorp
Classification: Benign. Last evaluated: 2026-01-06. Review status: criteria provided, single submitter. Criteria: Invitae Variant Classification Sherloc (09022015). Collection method: clinical testing. Allele origin: germline.

Mayo Clinic Laboratories, Mayo Clinic
Classification: Benign. Last evaluated: 2023-09-15. Review status: criteria provided, single submitter. Criteria: ACMG Guidelines, 2015. Collection method: clinical testing. Allele origin: germline. Observed: 6 variant alleles.
Comment: BS1, BS2, BP4

GeneDx
Classification: Benign. Last evaluated: 2019-03-28. Review status: criteria provided, single submitter. Criteria: GeneDx Variant Classification Process June 2021. Collection method: clinical testing. Allele origin: germline. Affected: yes.

Breakthrough Genomics
Classification: Benign. Review status: criteria provided, single submitter. Criteria: ACMG Guidelines, 2015. Collection method: not provided. Allele origin: germline. Inheritance: Autosomal recessive inheritance. Affected: yes.

PreventionGenetics, part of Exact Sciences
Classification: Benign for FDX2-related condition. Last evaluated: 2019-06-27. Review status: no assertion criteria provided. Collection method: clinical testing. Allele origin: germline. Not counted in ClinVar's aggregate classification.
Comment: This variant is classified as benign based on ACMG/AMP sequence variant interpretation guidelines (Richards et al. 2015 PMID: 25741868, with internal and published modifications).

NM_001397406.1(FDX2):c.83G>C (p.Gly28Ala)

Genes: FDX2 (ferredoxin 2; minus strand), FDX2-ZGLP1 (FDX2-ZGLP1 readthrough (NMD candidate); minus strand). Cytogenetic location: 19p13.2.
Variant type: single nucleotide variant.
Coding change: c.83G>C on transcript NM_001397406.1 (MANE Select); coding-DNA position 83, G replaced by C.
Protein change: p.Gly28Ala; replaces glycine 28 with alanine.
Molecular consequence: missense variant. On other transcripts: non-coding transcript variant (2).
Genome position (GRCh38, 1-based): chr19:10,315,914, C>G on the plus strand (G>C on the coding strand, the complement: FDX2 is on the minus strand). VCF-style: chr19-10315914-C-G. GRCh37 (hg19) VCF-style: chr19-10426590-C-G.
Other names: p.Gly31Ala; c.92G>C (NM_001031734.4); short protein forms G28A.
Identifiers: ClinVar variation 516785 (VCV000516785.15), dbSNP rs138346574, ClinGen allele CA9191357.